The following is an entry in ClinVar:

NM_012213.3(MLYCD):c.1345G>A (p.Gly449Ser)

Gene: MLYCD (malonyl-CoA decarboxylase; plus strand). Cytogenetic location: 16q23.3.
Variant type: single nucleotide variant.
Coding change: c.1345G>A on transcript NM_012213.3 (MANE Select); coding-DNA position 1345, G replaced by A.
Protein change: p.Gly449Ser; replaces glycine 449 with serine.
Molecular consequence: missense variant.
Genome position (GRCh38, 1-based): chr16:83,915,352, G>A. VCF-style: chr16-83915352-G-A. GRCh37 (hg19) VCF-style: chr16-83948957-G-A.
Other names: c.1345G>A (NM_012213.2); short protein forms G449S.
Identifiers: ClinVar variation 1417692 (VCV001417692.6), dbSNP rs752955481, ClinGen allele CA8197607.

ClinVar aggregate classification (germline): Uncertain significance. Review status: criteria provided, multiple submitters, no conflicts (2 of 4 stars). 2 submissions from 2 submitters: Uncertain significance (2). Last evaluated 2025-12-08.

Conditions:
Deficiency of malonyl-CoA decarboxylase. Also called: Malonic aciduria; MCD deficiency. Identifiers: Orphanet 943, MedGen C0342793, MONDO:0009556, OMIM 248360.
Inborn genetic diseases. Identifiers: MedGen C0950123, MeSH D030342.

Allele frequency attached by ClinVar (database versions not stated): gnomAD 0.00004; TOPMed 0.00006.
gnomAD v4.1: 102 of 1,613,620 alleles (0.0063%); highest among the groups gnomAD compares: Admixed American, 0.01%; no homozygotes.

Submissions (2):

Labcorp Genetics (formerly Invitae), Labcorp
Classification: Uncertain significance for Deficiency of malonyl-CoA decarboxylase. Last evaluated: 2025-12-08. Review status: criteria provided, single submitter. Criteria: Invitae Variant Classification Sherloc (09022015). Collection method: clinical testing. Allele origin: germline.
Comment: This sequence change replaces glycine, which is neutral and non-polar, with serine, which is neutral and polar, at codon 449 of the MLYCD protein (p.Gly449Ser). This variant is present in population databases (rs752955481, gnomAD 0.02%). This variant has not been reported in the literature in individuals affected with MLYCD-related conditions. ClinVar contains an entry for this variant (Variation ID: 1417692). Invitae Evidence Modeling of protein sequence and biophysical properties (such as structural, functional, and spatial information, amino acid conservation, physicochemical variation, residue mobility, and thermodynamic stability) indicates that this missense variant is expected to disrupt MLYCD protein function with a positive predictive value of 80%. In summary, the available evidence is currently insufficient to determine the role of this variant in disease. Therefore, it has been classified as a Variant of Uncertain Significance.

Ambry Genetics
Classification: Uncertain significance for Inborn genetic diseases. Last evaluated: 2024-03-12. Review status: criteria provided, single submitter. Criteria: Ambry Variant Classification Scheme 2023. Collection method: clinical testing. Allele origin: germline.